The following is an entry in ClinVar:

ClinVar aggregate classification (germline): Pathogenic. Review status: reviewed by expert panel (3 of 4 stars). 2 submissions from 2 submitters: Pathogenic (1). 1 of the submissions does not count toward it. Last evaluated 2016-10-18.

Conditions:
Breast-ovarian cancer, familial, susceptibility to, 2 (BROVCA2). Also called: BRCA2 Hereditary Breast and Ovarian Cancer. Identifiers: Orphanet 145, MedGen C2675520, MONDO:0012933, OMIM 612555. Disease mechanism: loss of function.

Submissions (2):

Evidence-based Network for the Interpretation of Germline Mutant Alleles (ENIGMA)
Classification: Pathogenic for Breast-ovarian cancer, familial, susceptibility to, 2. Last evaluated: 2016-10-18. Review status: reviewed by expert panel. Criteria: ENIGMA BRCA1/2 Classification Criteria (2015). Collection method: curation. Allele origin: germline.
Comment: Variant allele predicted to encode a truncated non-functional protein.

Consortium of Investigators of Modifiers of BRCA1/2 (CIMBA), c/o University of Cambridge
Classification: Pathogenic for Breast-ovarian cancer, familial, susceptibility to, 2. Last evaluated: 2015-10-02. Review status: criteria provided, single submitter. Criteria: CIMBA Mutation Classification guidelines May 2016. Collection method: clinical testing. Allele origin: germline. Not counted in ClinVar's aggregate classification.

NM_000059.4(BRCA2):c.729_730insC (p.Asp244fs)

Gene: BRCA2 (BRCA2 DNA repair associated; plus strand). Cytogenetic location: 13q13.1.
Variant type: Insertion.
Coding change: c.729_730insC on transcript NM_000059.4 (MANE Select); coding-DNA positions 729 to 730, C inserted.
Protein change: p.Asp244fs; shifts the reading frame from aspartic acid 244.
Molecular consequence: frameshift variant.
Genome position: GRCh38 VCF-style: chr13-32330966-T-TC. GRCh37 (hg19) VCF-style: chr13-32905103-T-TC.
Other names: 957insC; short protein forms D244fs.
Identifiers: ClinVar variation 266999 (VCV000266999.5), dbSNP rs1555281463, ClinGen allele CA10589045.
Genomic context (GRCh38, chr13:32,330,966, plus strand): 5'-ATAATTTTTGCAGAATGTGAAAAGCTATTTTTCCAATCATGATGAAAGTCTGAAGAAAAA[T>TC]GATAGATTTATCGCTTCTGTGACAGACAGTGAAAACACAAATCAAAGAGAAGCTGCAAGT-3'